The following is an entry in ClinVar:

ClinVar aggregate classification (germline): Pathogenic/Likely pathogenic. Review status: criteria provided, multiple submitters, no conflicts (2 of 4 stars). 2 submissions from 2 submitters: Pathogenic (1); Likely pathogenic (1). Last evaluated 2025-08-22.

Submissions (2):

Athena Diagnostics
Classification: Pathogenic. Last evaluated: 2025-08-22. Review status: criteria provided, single submitter. Criteria: Athena Diagnostics Criteria. Collection method: clinical testing. Allele origin: unknown.
Comment: This variant has been identified in at least one individual with clinical features associated with this gene. Assessment of experimental evidence suggests this variant results in abnormal protein function. (PMID: 23022347, 33754639) Frequency data for this variant in the general population cannot be distinguished from that of the SMN2 gene, and is therefore uninformative in assessment of variant pathogenicity (Genome Aggregation Database (gnomAD), Cambridge, MA (URL)).

Molecular Diagnostics Lab, Nemours Children's Health, Delaware
Classification: Likely pathogenic. Last evaluated: 2016-03-01. Review status: criteria provided, single submitter. Criteria: ACMG Guidelines, 2015. Collection method: clinical testing. Allele origin: biparental, unknown. Affected: yes and no. Observed: 3 variant alleles. Clinical features observed: hypotonia, progressive hypotonia, respiratory failure.

Literature cited by the submitters: PubMed 17761649 (cited by Athena Diagnostics and Molecular Diagnostics Lab, Nemours Children's Health, Delaware); PubMed 23022347 (cited by Athena Diagnostics); PubMed 19584893 (cited by Athena Diagnostics); PubMed 37841286 (cited by Athena Diagnostics); PubMed 36029833 (cited by Athena Diagnostics); PubMed 33754639 (cited by Athena Diagnostics); PubMed 28570645 (cited by Athena Diagnostics).

NM_000344.4(SMN1):c.796T>C (p.Ser266Pro)

Gene: SMN1 (survival of motor neuron 1, telomeric). Cytogenetic location: 5q13.2.
Variant type: single nucleotide variant.
Coding change: c.796T>C on transcript NM_000344.4 (MANE Select); coding-DNA position 796, T replaced by C.
Protein change: p.Ser266Pro; replaces serine 266 with proline.
Molecular consequence: missense variant.
Genome position (GRCh38, 1-based): chr5:70,946,138, T>C. VCF-style: chr5-70946138-T-C. GRCh37 (hg19) VCF-style: chr5-70241965-T-C.
Other names: c.796T>C, p.Ser266Pro (NM_001297715.1); c.700T>C, p.Ser234Pro (NM_022874.2); short protein forms S266P, S234P.
Identifiers: ClinVar variation 634939 (VCV000634939.4), dbSNP rs1561500885, ClinGen allele CA360097052.
Genomic context (GRCh38, chr5:70,946,138, plus strand): 5'-CCACCTCCCATATGTCCAGATTCTCTTGATGATGCTGATGCTTTGGGAAGTATGTTAATT[T>C]CATGGTACATGAGTGGCTATCATACTGGCTATTATATGGTAAGTAATCACTCAGCATCTT-3'
Protein context (NP_000335.1, residues 256-276): DADALGSMLI[Ser266Pro]WYMSGYHTGY